The following is an entry in ClinVar:

NM_004114.5(FGF13):c.385G>A (p.Gly129Arg)

Gene: FGF13 (fibroblast growth factor 13; minus strand). Cytogenetic location: Xq26.3.
Variant type: single nucleotide variant.
Coding change: c.385G>A on transcript NM_004114.5 (MANE Select); coding-DNA position 385, G replaced by A.
Protein change: p.Gly129Arg; replaces glycine 129 with arginine.
Molecular consequence: missense variant.
Genome position (GRCh38, 1-based): chrX:138,703,001, C>T on the plus strand (G>A on the coding strand, the complement: FGF13 is on the minus strand). VCF-style: chrX-138703001-C-T. GRCh37 (hg19) VCF-style: chrX-137785163-C-T.
Other names: c.247G>A, p.Gly83Arg (NM_001139498.2); c.415G>A, p.Gly139Arg (NM_001139500.2); c.328G>A, p.Gly110Arg (NM_001139501.2, NM_001139502.2); c.226G>A, p.Gly76Arg (NM_033642.3); short protein forms G110R, G129R, G139R, G76R, G83R.
Identifiers: ClinVar variation 1700758 (VCV001700758.2), dbSNP rs2124235582, ClinGen allele CA414462506.

ClinVar aggregate classification (germline): Uncertain significance (1 of 4 stars; one submission).

Submission:

GeneDx
Classification: Uncertain significance. Last evaluated: 2022-02-14. Review status: criteria provided, single submitter. Criteria: GeneDx Variant Classification Process June 2021. Collection method: clinical testing. Allele origin: germline. Affected: yes.
Comment: In silico analysis supports that this missense variant has a deleterious effect on protein structure/function; Not observed at significant frequency in large population cohorts (gnomAD); Has not been previously published as pathogenic or benign to our knowledge